The following is an entry in ClinVar:

NM_000283.4(PDE6B):c.968G>A (p.Gly323Asp)

Genes: PDE6B (phosphodiesterase 6B; plus strand), PDE6B-AS1 (PDE6B antisense RNA 1; minus strand). Cytogenetic location: 4p16.3.
Variant type: single nucleotide variant.
Coding change: c.968G>A on transcript NM_000283.4 (MANE Select); coding-DNA position 968, G replaced by A.
Protein change: p.Gly323Asp; replaces glycine 323 with aspartic acid.
Molecular consequence: missense variant. On other transcripts: 5 prime UTR variant (1).
Genome position (GRCh38, 1-based): chr4:654,864, G>A. VCF-style: chr4-654864-G-A. GRCh37 (hg19) VCF-style: chr4-648653-G-A.
Other names: c.968G>A, p.Gly323Asp (NM_001145291.2); c.131G>A, p.Gly44Asp (NM_001145292.2, NM_001350154.3, NM_001379246.1 and 1 more transcripts); c.-73G>A (NM_001350155.3); short protein forms G323D, G44D.
Identifiers: ClinVar variation 1493750 (VCV001493750.6), dbSNP rs151029036, ClinGen allele CA2794240.

ClinVar aggregate classification (germline): Uncertain significance (1 of 4 stars; one submission).

Allele frequency attached by ClinVar (database versions not stated): ExAC 0.00001; gnomAD 0.00001; gnomAD exomes 0.00001; ESP Exome Variant Server 0.00008.
gnomAD v4.1: 6 of 1,561,900 alleles (0.00038%); highest among the groups gnomAD compares: East Asian, 0.009%; no homozygotes.

Submission:

Labcorp Genetics (formerly Invitae), Labcorp
Classification: Uncertain significance. Last evaluated: 2021-08-26. Review status: criteria provided, single submitter. Criteria: Invitae Variant Classification Sherloc (09022015). Collection method: clinical testing. Allele origin: germline.
Comment: In summary, the available evidence is currently insufficient to determine the role of this variant in disease. Therefore, it has been classified as a Variant of Uncertain Significance. Algorithms developed to predict the effect of missense changes on protein structure and function are either unavailable or do not agree on the potential impact of this missense change (SIFT: "Tolerated"; PolyPhen-2: "Probably Damaging"; Align-GVGD: "Class C0"). This variant has not been reported in the literature in individuals affected with PDE6B-related conditions. This variant is present in population databases (rs151029036, ExAC 0.002%). This sequence change replaces glycine with aspartic acid at codon 323 of the PDE6B protein (p.Gly323Asp). The glycine residue is highly conserved and there is a moderate physicochemical difference between glycine and aspartic acid.